The following is an entry in ClinVar:

ClinVar aggregate classification (germline): Conflicting classifications of pathogenicity. Review status: criteria provided, conflicting classifications (1 of 4 stars). 5 submissions from 5 submitters: Uncertain significance (1); Likely benign (3). 1 of the submissions does not count toward it. Last evaluated 2025-10-22.

Conditions:
Loeys-Dietz syndrome 4 (LDS4). Also called: ANEURYSM, AORTIC AND CEREBRAL, WITH ARTERIAL TORTUOSITY AND SKELETAL MANIFESTATIONS; TGFB2-Related Loeys-Dietz Syndrome. Identifiers: MedGen C3553762, MONDO:0013897, OMIM 614816.
Familial thoracic aortic aneurysm and aortic dissection (TAAD). Also called: Thoracic aortic aneurysms and dissections. Identifiers: Orphanet 91387, MedGen C4707243, MONDO:0019625.
TGFB2-related disorder. Also called: TGFB2-related condition.

Allele frequency attached by ClinVar (database versions not stated): ESP Exome Variant Server 0.00023; gnomAD exomes 0.00004 and 0.00006; gnomAD 0.00006 and 0.00007; TOPMed 0.00006; ExAC 0.00007; 1000 Genomes Project 30x 0.00016; 1000 Genomes Project 0.00020.
gnomAD v4.1: 64 of 1,613,734 alleles (0.004%); highest among the groups gnomAD compares: African/African-American, 0.016%; no homozygotes.

Submissions (5):

Labcorp Genetics (formerly Invitae), Labcorp
Classification: Likely benign for Loeys-Dietz syndrome 4. Last evaluated: 2025-10-22. Review status: criteria provided, single submitter. Criteria: Invitae Variant Classification Sherloc (09022015). Collection method: clinical testing. Allele origin: germline.

CHEO Genetics Diagnostic Laboratory, Children's Hospital of Eastern Ontario
Classification: Uncertain significance for Familial thoracic aortic aneurysm and aortic dissection. Last evaluated: 2020-06-16. Review status: criteria provided, single submitter. Criteria: ACMG Guidelines, 2015. Collection method: clinical testing. Allele origin: germline.

Ambry Genetics
Classification: Likely benign for Familial thoracic aortic aneurysm and aortic dissection. Last evaluated: 2019-06-22. Review status: criteria provided, single submitter. Criteria: Ambry Variant Classification Scheme 2023. Collection method: clinical testing. Allele origin: germline.

GeneDx
Classification: Likely benign. Last evaluated: 2017-07-24. Review status: criteria provided, single submitter. Criteria: GeneDx Variant Classification (06012015). Collection method: clinical testing. Allele origin: germline. Affected: yes.
Comment: This variant is considered likely benign or benign based on one or more of the following criteria: it is a conservative change, it occurs at a poorly conserved position in the protein, it is predicted to be benign by multiple in silico algorithms, and/or has population frequency not consistent with disease.

PreventionGenetics, part of Exact Sciences
Classification: Likely benign for TGFB2-related condition. Last evaluated: 2024-05-15. Review status: no assertion criteria provided. Collection method: clinical testing. Allele origin: germline. Not counted in ClinVar's aggregate classification.
Comment: This variant is classified as likely benign based on ACMG/AMP sequence variant interpretation guidelines (Richards et al. 2015 PMID: 25741868, with internal and published modifications).

NM_003238.6(TGFB2):c.1140C>T (p.Cys380=)

Gene: TGFB2 (transforming growth factor beta 2; plus strand). Cytogenetic location: 1q41.
Variant type: single nucleotide variant.
Coding change: c.1140C>T on transcript NM_003238.6 (MANE Select); coding-DNA position 1140, C replaced by T.
Protein change: p.Cys380=; no amino-acid change (cysteine 380 retained).
Molecular consequence: synonymous variant. On other transcripts: non-coding transcript variant (2).
Genome position (GRCh38, 1-based): chr1:218,441,257, C>T. VCF-style: chr1-218441257-C-T. GRCh37 (hg19) VCF-style: chr1-218614599-C-T.
Other names: c.1224C>T, p.Cys408= (NM_001135599.4); c.1140C>T (NM_003238.4).
Identifiers: ClinVar variation 408426 (VCV000408426.14), dbSNP rs201129153, ClinGen allele CA1398687.